The following is an entry in ClinVar:

NM_001127644.2(GABRA1):c.116C>T (p.Thr39Ile)

Gene: GABRA1 (gamma-aminobutyric acid type A receptor subunit alpha1; plus strand). Cytogenetic location: 5q34.
Variant type: single nucleotide variant.
Coding change: c.116C>T on transcript NM_001127644.2 (MANE Select); coding-DNA position 116, C replaced by T.
Protein change: p.Thr39Ile; replaces threonine 39 with isoleucine.
Molecular consequence: missense variant.
Genome position (GRCh38, 1-based): chr5:161,854,199, C>T. VCF-style: chr5-161854199-C-T. GRCh37 (hg19) VCF-style: chr5-161281205-C-T.
Other names: c.116C>T, p.Thr39Ile (NM_000806.5, NM_001127643.2, NM_001127645.2 and 1 more transcripts); short protein forms T39I.
Identifiers: ClinVar variation 3753864 (VCV003753864.2).

ClinVar aggregate classification (germline): Uncertain significance (1 of 4 stars; one submission).

Conditions:
Epilepsy, idiopathic generalized, susceptibility to, 13. Also called: EPILEPSY, JUVENILE MYOCLONIC, SUSCEPTIBILITY TO, 5. Identifiers: Orphanet 307, Orphanet 64280, MedGen C4013473, MONDO:0012627, OMIM 611136.
Epilepsy, childhood absence 4 (ECA4). Also called: EPILEPSY, CHILDHOOD ABSENCE, SUSCEPTIBILITY TO, 4. Identifiers: Orphanet 307, MedGen C1970160.
Idiopathic generalized epilepsy. Also called: EIG; Generalised epilepsy. Identifiers: MedGen C0270850, MONDO:0005579, OMIM 600669.

Submission:

Labcorp Genetics (formerly Invitae), Labcorp
Classification: Uncertain significance for Epilepsy, childhood absence 4; Epilepsy, idiopathic generalized, susceptibility to, 13; Idiopathic generalized epilepsy. Last evaluated: 2024-07-11. Review status: criteria provided, single submitter. Criteria: Invitae Variant Classification Sherloc (09022015). Collection method: clinical testing. Allele origin: germline.
Comment: This sequence change replaces threonine, which is neutral and polar, with isoleucine, which is neutral and non-polar, at codon 39 of the GABRA1 protein (p.Thr39Ile). This variant is not present in population databases (gnomAD no frequency). This variant has not been reported in the literature in individuals affected with GABRA1-related conditions. Advanced modeling of protein sequence and biophysical properties (such as structural, functional, and spatial information, amino acid conservation, physicochemical variation, residue mobility, and thermodynamic stability) performed at Invitae indicates that this missense variant is not expected to disrupt GABRA1 protein function with a negative predictive value of 95%. In summary, the available evidence is currently insufficient to determine the role of this variant in disease. Therefore, it has been classified as a Variant of Uncertain Significance.